The following is an entry in ClinVar:

NM_000032.5(ALAS2):c.653G>A (p.Arg218His)

Gene: ALAS2 (5'-aminolevulinate synthase 2; minus strand). Cytogenetic location: Xp11.21.
Variant type: single nucleotide variant.
Coding change: c.653G>A on transcript NM_000032.5 (MANE Select); coding-DNA position 653, G replaced by A.
Protein change: p.Arg218His; replaces arginine 218 with histidine.
Molecular consequence: missense variant.
Genome position (GRCh38, 1-based): chrX:55,020,490, C>T on the plus strand (G>A on the coding strand, the complement: ALAS2 is on the minus strand). VCF-style: chrX-55020490-C-T. GRCh37 (hg19) VCF-style: chrX-55046923-C-T.
Other names: c.542G>A, p.Arg181His (NM_001037967.4); c.614G>A, p.Arg205His (NM_001037968.4); short protein forms R181H, R205H, R218H.
Identifiers: ClinVar variation 1206683 (VCV001206683.44), dbSNP rs185504937, ClinGen allele CA10428395.

ClinVar aggregate classification (germline): Conflicting classifications of pathogenicity. Review status: criteria provided, conflicting classifications (1 of 4 stars). 6 submissions from 6 submitters: Uncertain significance (1); Likely benign (5). Last evaluated 2026-01-21.

Conditions:
X-linked sideroblastic anemia 1. Also called: Erythroid 5-aminolevulinate synthase deficiency; X chromosome-linked sideroblastic anemia; X-linked pyridoxine-refractory sideroblastic anemia; Anemia, hereditary sideroblastic 1, pyridoxine refractory; ANEMIA, SIDEROBLASTIC, 1, PYRIDOXINE REFRACTORY; Anemia, sideroblastic, 1. Identifiers: Orphanet 75563, MedGen C4551511, MONDO:0020721, OMIM 300751. Disease mechanism: loss of function.

Allele frequency attached by ClinVar (database versions not stated): ESP Exome Variant Server 0.00038; gnomAD exomes 0.00044 and 0.00049; gnomAD 0.00052; 1000 Genomes Project 0.00053; TOPMed 0.00054; 1000 Genomes Project 30x 0.00062; ExAC 0.00070.
gnomAD v4.1: 569 of 1,174,958 alleles (0.048%); highest among the groups gnomAD compares: Non-Finnish European, 0.055%; 2 homozygotes.

Submissions (6):

Labcorp Genetics (formerly Invitae), Labcorp
Classification: Likely benign. Last evaluated: 2026-01-21. Review status: criteria provided, single submitter. Criteria: Invitae Variant Classification Sherloc (09022015). Collection method: clinical testing. Allele origin: germline.

GeneDx
Classification: Uncertain significance. Last evaluated: 2025-07-08. Review status: criteria provided, single submitter. Criteria: GeneDx Variant Classification Process June 2021. Collection method: clinical testing. Allele origin: germline. Affected: yes.
Comment: Expression of R218H in E. coli found that this variant is associated with no decrease in 5-aminolevulinate synthase enzyme activity compared to wild-type; however, when activity was assayed in the absence of exogenous pyridoxal phosphate and increased thermosensitivity significantly decreased activity of the R218H protein was observed (PMID: 21309041); In silico analysis suggests that this missense variant does not alter protein structure/function; This variant is associated with the following publications: (PMID: 31338833, 21309041, 35093382, 35982159)

CeGaT Center for Human Genetics Tuebingen
Classification: Likely benign. Last evaluated: 2025-07-01. Review status: criteria provided, single submitter. Criteria: CeGaT Center For Human Genetics Tuebingen Variant Classification Criteria Version 2. Collection method: clinical testing. Allele origin: germline. Affected: yes. Observed: 2 variant alleles.
Comment: ALAS2: BP4

Blueprint Genetics
Classification: Likely benign. Last evaluated: 2024-11-18. Review status: criteria provided, single submitter. Criteria: ACMG Guidelines, 2015. Collection method: clinical testing. Allele origin: germline.

Mendelics
Classification: Likely benign for X-linked sideroblastic anemia 1. Last evaluated: 2022-10-06. Review status: criteria provided, single submitter. Criteria: Mendelics Assertion Criteria 2019. Collection method: clinical testing. Allele origin: germline.

Genetic Services Laboratory, University of Chicago
Classification: Likely benign. Last evaluated: 2021-04-23. Review status: criteria provided, single submitter. Criteria: ACMG Guidelines, 2015. Collection method: clinical testing. Allele origin: germline. Affected: no.